The following is an entry in ClinVar:

ClinVar aggregate classification (germline): Uncertain significance (1 of 4 stars; one submission).

Conditions:
Birt-Hogg-Dube syndrome. Also called: Birt Hogg Dubé syndrome. Identifiers: Orphanet 122, MedGen C0346010, MONDO:0800444.

Submission:

Labcorp Genetics (formerly Invitae), Labcorp
Classification: Uncertain significance for Birt-Hogg-Dube syndrome. Last evaluated: 2022-04-01. Review status: criteria provided, single submitter. Criteria: Invitae Variant Classification Sherloc (09022015). Collection method: clinical testing. Allele origin: germline.
Comment: In summary, the available evidence is currently insufficient to determine the role of this variant in disease. Therefore, it has been classified as a Variant of Uncertain Significance. Algorithms developed to predict the effect of missense changes on protein structure and function are either unavailable or do not agree on the potential impact of this missense change (SIFT: "Deleterious"; PolyPhen-2: "Benign"; Align-GVGD: "Class C0"). This variant has not been reported in the literature in individuals affected with FLCN-related conditions. This variant is not present in population databases (gnomAD no frequency). This sequence change replaces threonine, which is neutral and polar, with arginine, which is basic and polar, at codon 242 of the FLCN protein (p.Thr242Arg).

NM_144997.7(FLCN):c.725C>G (p.Thr242Arg)

Gene: FLCN (folliculin; minus strand). Cytogenetic location: 17p11.2.
Variant type: single nucleotide variant.
Coding change: c.725C>G on transcript NM_144997.7 (MANE Select); coding-DNA position 725, C replaced by G.
Protein change: p.Thr242Arg; replaces threonine 242 with arginine.
Molecular consequence: missense variant.
Genome position (GRCh38, 1-based): chr17:17,222,555, G>C on the plus strand (C>G on the coding strand, the complement: FLCN is on the minus strand). VCF-style: chr17-17222555-G-C. GRCh37 (hg19) VCF-style: chr17-17125869-G-C.
Other names: c.779C>G, p.Thr260Arg (NM_001353229.2); c.725C>G, p.Thr242Arg (NM_001353230.2, NM_001353231.2, NM_144606.7); short protein forms T260R, T242R.
Identifiers: ClinVar variation 2118302 (VCV002118302.4), dbSNP rs536249722, ClinGen allele CA398533924.